The following is an entry in ClinVar:

NM_001330700.2(TOP2B):c.590A>G (p.Lys197Arg)

Gene: TOP2B (DNA topoisomerase II beta; minus strand). Cytogenetic location: 3p24.2.
Variant type: single nucleotide variant.
Coding change: c.590A>G on transcript NM_001330700.2 (MANE Select); coding-DNA position 590, A replaced by G.
Protein change: p.Lys197Arg; replaces lysine 197 with arginine.
Molecular consequence: missense variant.
Genome position (GRCh38, 1-based): chr3:25,637,264, T>C on the plus strand (A>G on the coding strand, the complement: TOP2B is on the minus strand). VCF-style: chr3-25637264-T-C. GRCh37 (hg19) VCF-style: chr3-25678755-T-C.
Other names: c.575A>G, p.Lys192Arg (NM_001068.3); short protein forms K192R, K197R.
Identifiers: ClinVar variation 4798275 (VCV004798275.1).
Genomic context (GRCh38, chr3:25,637,264, plus strand): 5'-TTCTAGCATACCTGCTTAAAACTGTGTTTGTATTCTTTGCAAGCTGTTTCTACTGTAAAC[T>C]TTGTACTGAAAATATTACAAAGTTTTGCACCATAACCATTACGACCACCTGTAAGAAAAA-3'
Protein context (NP_001317629.1, residues 187-207): GAKLCNIFST[Lys197Arg]FTVETACKEY

ClinVar aggregate classification (germline): Uncertain significance (1 of 4 stars; one submission).

gnomAD v4.1: 1 of 1,561,236 alleles (0.000064%); no homozygotes.

Submission:

Labcorp Genetics (formerly Invitae), Labcorp
Classification: Uncertain significance. Last evaluated: 2025-04-27. Review status: criteria provided, single submitter. Criteria: Invitae Variant Classification Sherloc (09022015). Collection method: clinical testing. Allele origin: germline.
Comment: This sequence change replaces lysine, which is basic and polar, with arginine, which is basic and polar, at codon 192 of the TOP2B protein (p.Lys192Arg). The frequency data for this variant in the population databases is considered unreliable, as metrics indicate poor data quality at this position in the gnomAD database. This variant has not been reported in the literature in individuals affected with TOP2B-related conditions. An algorithm developed to predict the effect of missense changes on protein structure and function (PolyPhen-2) suggests that this variant is likely to be tolerated. In summary, the available evidence is currently insufficient to determine the role of this variant in disease. Therefore, it has been classified as a Variant of Uncertain Significance.